The following is an entry in ClinVar:

ClinVar aggregate classification (germline): Uncertain significance (1 of 4 stars; one submission).

Conditions:
ROCK2-related disorder. Also called: ROCK2-related condition.

Submission:

PreventionGenetics, part of Exact Sciences
Classification: Uncertain significance for ROCK2-related condition. Last evaluated: 2024-10-11. Review status: criteria provided, single submitter. Criteria: ACMG Guidelines, 2015. Collection method: clinical testing. Allele origin: germline.
Comment: The ROCK2 c.916delA variant is predicted to result in a frameshift and premature protein termination (p.Ile306Leufs*28). To our knowledge, this variant has not been reported in the literature or in a large population database (gnomAD), indicating this variant is rare. At this time, the clinical significance of this variant is uncertain due to the absence of conclusive functional and genetic evidence.

NM_004850.5(ROCK2):c.916del (p.Ile306fs)

Gene: ROCK2 (Rho associated coiled-coil containing protein kinase 2; minus strand). Cytogenetic location: 2p25.1.
Variant type: Deletion.
Coding change: c.916del on transcript NM_004850.5 (MANE Select); coding-DNA position 916, one base deleted (A; older notation c.916delA).
Protein change: p.Ile306fs; shifts the reading frame from isoleucine 306.
Molecular consequence: frameshift variant.
Genome position (GRCh38, 1-based): chr2:11,224,413, T deleted on the plus strand (A on the coding strand, the reverse complement: ROCK2 is on the minus strand); the first of 4 consecutive T bases (chr2:11,224,413-11,224,416); deleting any one gives the same sequence. VCF-style (leftmost placement, unchanged base first): chr2-11224412-AT-A. GRCh37 (hg19) VCF-style: chr2-11364538-AT-A.
Other names: c.658del, p.Ile220fs (NM_001321643.2); short protein forms I220fs, I306fs.
Identifiers: ClinVar variation 5000014 (VCV005000014.1).